The following is an entry in ClinVar:

NM_001846.4(COL4A2):c.3333C>T (p.Thr1111=)

Gene: COL4A2 (collagen type IV alpha 2 chain; plus strand). Cytogenetic location: 13q34.
Variant type: single nucleotide variant.
Coding change: c.3333C>T on transcript NM_001846.4 (MANE Select); coding-DNA position 3333, C replaced by T.
Protein change: p.Thr1111=; no amino-acid change (threonine 1111 retained).
Molecular consequence: synonymous variant.
Genome position (GRCh38, 1-based): chr13:110,489,772, C>T. VCF-style: chr13-110489772-C-T. GRCh37 (hg19) VCF-style: chr13-111142119-C-T.
Other names: p.Thr1111=.
Identifiers: ClinVar variation 2991016 (VCV002991016.4), dbSNP rs772856791, ClinGen allele CA7050172.

ClinVar aggregate classification (germline): Likely benign. Review status: criteria provided, multiple submitters, no conflicts (2 of 4 stars). 2 submissions from 2 submitters: Likely benign (2). Last evaluated 2025-12-18.

Allele frequency attached by ClinVar (database versions not stated): ExAC 0.00001; gnomAD 0.00001; gnomAD exomes 0.00001; TOPMed 0.00001.
gnomAD v4.1: 10 of 1,610,632 alleles (0.00062%); highest among the groups gnomAD compares: Non-Finnish European, 0.00085%; no homozygotes.

Submissions (2):

Mayo Clinic Laboratories, Mayo Clinic
Classification: Likely benign. Last evaluated: 2025-12-18. Review status: criteria provided, single submitter. Criteria: ACMG Guidelines, 2015. Collection method: clinical testing. Allele origin: germline. Observed: 1 variant allele.
Comment: BP4, BP7, PM2_supporting

Labcorp Genetics (formerly Invitae), Labcorp
Classification: Likely benign. Last evaluated: 2022-11-08. Review status: criteria provided, single submitter. Criteria: Invitae Variant Classification Sherloc (09022015). Collection method: clinical testing. Allele origin: germline.